The following is an entry in ClinVar:

NM_002890.3(RASA1):c.220G>T (p.Ala74Ser)

Gene: RASA1 (RAS p21 protein activator 1; plus strand). Cytogenetic location: 5q14.3.
Variant type: single nucleotide variant.
Coding change: c.220G>T on transcript NM_002890.3 (MANE Select); coding-DNA position 220, G replaced by T.
Protein change: p.Ala74Ser; replaces alanine 74 with serine.
Molecular consequence: missense variant.
Genome position (GRCh38, 1-based): chr5:87,268,671, G>T. VCF-style: chr5-87268671-G-T. GRCh37 (hg19) VCF-style: chr5-86564488-G-T.
Other names: short protein forms A74S.
Identifiers: ClinVar variation 1386681 (VCV001386681.6), dbSNP rs980967533, ClinGen allele CA122462661.

ClinVar aggregate classification (germline): Uncertain significance (1 of 4 stars; one submission).

Conditions:
Capillary malformation-arteriovenous malformation syndrome. Also called: Capillary malformation-arteriovenous malformation. Identifiers: Orphanet 137667, MedGen C1842180, MONDO:0012016.

Allele frequency attached by ClinVar (database versions not stated): gnomAD exomes below 0.00001.
gnomAD v4.1: 2 of 1,611,306 alleles (0.00012%); highest among the groups gnomAD compares: Admixed American, 0.0017%; no homozygotes.

Submission:

Labcorp Genetics (formerly Invitae), Labcorp
Classification: Uncertain significance for Capillary malformation-arteriovenous malformation syndrome. Last evaluated: 2023-12-30. Review status: criteria provided, single submitter. Criteria: Invitae Variant Classification Sherloc (09022015). Collection method: clinical testing. Allele origin: germline.
Comment: This sequence change replaces alanine, which is neutral and non-polar, with serine, which is neutral and polar, at codon 74 of the RASA1 protein (p.Ala74Ser). This variant is present in population databases (no rsID available, gnomAD 0.003%). This variant has not been reported in the literature in individuals affected with RASA1-related conditions. ClinVar contains an entry for this variant (Variation ID: 1386681). An algorithm developed to predict the effect of missense changes on protein structure and function (PolyPhen-2) suggests that this variant is likely to be tolerated. In summary, the available evidence is currently insufficient to determine the role of this variant in disease. Therefore, it has been classified as a Variant of Uncertain Significance.